The following is an entry in ClinVar:

NM_000254.3(MTR):c.1348_1349inv (p.Ser450Asp)

Gene: MTR (5-methyltetrahydrofolate-homocysteine methyltransferase; plus strand). Cytogenetic location: 1q43.
Variant type: Inversion.
Coding change: c.1348_1349inv on transcript NM_000254.3 (MANE Select).
Protein change: p.Ser450Asp; replaces serine 450 with aspartic acid.
Molecular consequence: missense variant.
Genome position: GRCh38 VCF-style: chr1-236838432-TC-GA. GRCh37 (hg19) VCF-style: chr1-237001732-TC-GA.
Other names: c.1348_1349inv, p.Ser450Asp (NM_001291939.1); c.127_128inv, p.Ser43Asp (NM_001291940.2); c.1348_1349delinsGA (NM_000254.3); short protein forms S43D, S450D.
Identifiers: ClinVar variation 1374754 (VCV001374754.7), ClinGen allele CA2573132828.

ClinVar aggregate classification (germline): Conflicting classifications of pathogenicity. Review status: criteria provided, conflicting classifications (1 of 4 stars). 3 submissions from 3 submitters: Pathogenic (1); Likely pathogenic (1); Uncertain significance (1). Last evaluated 2026-03-20.

Conditions:
Methylcobalamin deficiency type cblG (HMAG). Also called: HOMOCYSTINURIA-MEGALOBLASTIC ANEMIA, cblG TYPE; HOMOCYSTINURIA-MEGALOBLASTIC ANEMIA, cblG COMPLEMENTATION TYPE; HOMOCYSTINURIA-MEGALOBLASTIC ANEMIA DUE TO DEFECT IN COBALAMIN METABOLISM, cblG COMPLEMENTATION TYPE; Functional methionine synthase deficiency type cblG. Identifiers: Orphanet 2170, Orphanet 622, MedGen C1855128, MONDO:0009609, OMIM 250940.
Neural tube defects, folate-sensitive (NTDFS). Also called: NTD, FOLATE-SENSITIVE. Identifiers: Orphanet 823, MedGen C1866558, MONDO:0011120, OMIM 601634.

Submissions (3):

Women's Health and Genetics/Laboratory Corporation of America, LabCorp
Classification: Likely pathogenic for Methylcobalamin deficiency type cblG. Last evaluated: 2026-03-20. Review status: criteria provided, single submitter. Criteria: LabCorp Variant Classification Summary - May 2015. Collection method: clinical testing. Allele origin: germline.
Comment: Variant summary: MTR c.1348_1349delinsGA (p.Ser450Asp) results in a non-conservative amino acid change in the encoded protein sequence. Algorithms developed to predict the effect of missense changes on protein structure and function are either unavailable or do not agree on the potential impact of this missense change. The variant allele was found at a frequency of 1.6e-05 in 251468 control chromosomes. c.1348_1349delinsGA has been observed in individuals affected with Methylcobalamin deficiency type cblG (Brasil_2018, Kripps_2022, Watkins_2025, internal data)). These data indicate that the variant is likely to be associated with disease. To our knowledge, no experimental evidence demonstrating an impact on protein function has been reported. The following publications have been ascertained in the context of this evaluation (PMID: 30041674, 34625984, 41202372). ClinVar contains an entry for this variant (Variation ID: 1374754). Based on the evidence outlined above, the variant was classified as likely pathogenic.

Labcorp Genetics (formerly Invitae), Labcorp
Classification: Pathogenic for Methylcobalamin deficiency type cblG. Last evaluated: 2024-03-07. Review status: criteria provided, single submitter. Criteria: Invitae Variant Classification Sherloc (09022015). Collection method: clinical testing. Allele origin: germline.
Comment: This sequence change replaces serine, which is neutral and polar, with aspartic acid, which is acidic and polar, at codon 450 of the MTR protein (p.Ser450Asp). This variant is present in population databases (no rsID available, gnomAD 0.002%). This missense change has been observed in individual(s) with cobalamin G deficiency (PMID: 30041674; Invitae). In at least one individual the data is consistent with being in trans (on the opposite chromosome) from a pathogenic variant. ClinVar contains an entry for this variant (Variation ID: 1374754). An algorithm developed to predict the effect of missense changes on protein structure and function (PolyPhen-2) suggests that this variant is likely to be disruptive. This variant disrupts the p.Ser450 amino acid residue in MTR. Other variant(s) that disrupt this residue have been observed in individuals with MTR-related conditions (PMID: 12068375, 20490923), which suggests that this may be a clinically significant amino acid residue. For these reasons, this variant has been classified as Pathogenic.

Fulgent Genetics
Classification: Uncertain significance for Methylcobalamin deficiency type cblG; Neural tube defects, folate-sensitive. Last evaluated: 2022-02-10. Review status: criteria provided, single submitter. Criteria: ACMG Guidelines, 2015. Collection method: clinical testing. Allele origin: unknown.

Literature cited by the submitters: PubMed 30041674 (cited by Women's Health and Genetics/Laboratory Corporation of America, LabCorp and Labcorp Genetics (formerly Invitae), Labcorp); PubMed 34625984 (cited by Women's Health and Genetics/Laboratory Corporation of America, LabCorp); PubMed 41202372 (cited by Women's Health and Genetics/Laboratory Corporation of America, LabCorp); PubMed 12068375 (cited by Labcorp Genetics (formerly Invitae), Labcorp); PubMed 20490923 (cited by Labcorp Genetics (formerly Invitae), Labcorp).